The following is an entry in ClinVar:

ClinVar aggregate classification (germline): Pathogenic. Review status: criteria provided, single submitter (1 of 4 stars). 2 submissions from 2 submitters: Pathogenic (1). 1 of the submissions does not count toward it. Last evaluated 2018-08-07.

Conditions:
Breast carcinoma. Also called: Carcinoma of breast. Identifiers: MedGen C0678222, MONDO:0004989, HP:0003002.
Ataxia-telangiectasia syndrome (AT). Also called: ATAXIA-TELANGIECTASIA, FRESNO VARIANT; Ataxia-telangiectasia, complementation group E; Ataxia telangiectasia (A-T); Cerebello-oculocutaneous telangiectasia; Immunodeficiency with ataxia telangiectasia; LOUIS-BAR SYNDROME. Identifiers: Orphanet 100, MedGen C0004135, MONDO:0008840, OMIM 208900.

Allele frequency attached by ClinVar (database versions not stated): TOPMed 0.00001.

Submissions (2):

Labcorp Genetics (formerly Invitae), Labcorp
Classification: Pathogenic for Ataxia-telangiectasia syndrome. Last evaluated: 2018-08-07. Review status: criteria provided, single submitter. Criteria: Invitae Variant Classification Sherloc (09022015). Collection method: clinical testing. Allele origin: germline.
Comment: This sequence change creates a premature translational stop signal (p.Trp1461*) in the ATM gene. It is expected to result in an absent or disrupted protein product. This variant is not present in population databases (ExAC no frequency). This variant has not been reported in the literature in individuals with ATM-related disease. Loss-of-function variants in ATM are known to be pathogenic (PMID: 23807571, 25614872). For these reasons, this variant has been classified as Pathogenic.

Medical Genetics Laboratory, Umraniye Training and Research Hospital, University of Health Sciences
Classification: Pathogenic for Breast carcinoma. Last evaluated: 2021-08-23. Review status: no assertion criteria provided. Collection method: clinical testing. Allele origin: germline. Affected: yes. Observed: 1 variant allele, 1 heterozygote. Not counted in ClinVar's aggregate classification.
Comment: Invasive Ductal Carcinoma Estrogen Receptor: Negative Progesterone Receptor: Negative

Literature cited by the submitters: PubMed 23807571 (cited by Labcorp Genetics (formerly Invitae), Labcorp); PubMed 25614872 (cited by Labcorp Genetics (formerly Invitae), Labcorp).

NM_000051.4(ATM):c.4383G>A (p.Trp1461Ter)

Gene: ATM (ATM serine/threonine kinase; plus strand). Cytogenetic location: 11q22.3.
Variant type: single nucleotide variant.
Coding change: c.4383G>A on transcript NM_000051.4 (MANE Select); coding-DNA position 4383, G replaced by A.
Protein change: p.Trp1461Ter; replaces tryptophan 1461 with a stop codon.
Molecular consequence: nonsense.
Genome position (GRCh38, 1-based): chr11:108,289,748, G>A. VCF-style: chr11-108289748-G-A. GRCh37 (hg19) VCF-style: chr11-108160475-G-A.
Other names: c.4383G>A, p.Trp1461Ter (NM_001351834.2); short protein forms W1461*.
Identifiers: ClinVar variation 647116 (VCV000647116.7), dbSNP rs1294578913, ClinGen allele CA382532136.